The following is an entry in ClinVar:

ClinVar aggregate classification (germline): Pathogenic/Likely pathogenic. Review status: criteria provided, multiple submitters, no conflicts (2 of 4 stars). 2 submissions from 2 submitters: Pathogenic (1); Likely pathogenic (1). Last evaluated 2025-12-08.

Conditions:
CHARGE syndrome (CHARGE). Also called: Hittner Hirsch Kreh syndrome; Coloboma, heart anomaly, choanal atresia, retardation, genital and ear anomalies; CHARGE association; Hall-Hittner syndrome; CHARGE ASSOCIATION--COLOBOMA, HEART ANOMALY, CHOANAL ATRESIA, RETARDATION, GENITAL AND EAR ANOMALIES. Identifiers: Orphanet 138, MedGen C0265354, MONDO:0008965.

Submissions (2):

Labcorp Genetics (formerly Invitae), Labcorp
Classification: Pathogenic for CHARGE syndrome. Last evaluated: 2025-12-08. Review status: criteria provided, single submitter. Criteria: Invitae Variant Classification Sherloc (09022015). Collection method: clinical testing. Allele origin: germline.
Comment: This sequence change creates a premature translational stop signal (p.Gln288*) in the CHD7 gene. It is expected to result in an absent or disrupted protein product. Loss-of-function variants in CHD7 are known to be pathogenic (PMID: 22461308, 25077900). This variant is not present in population databases (gnomAD no frequency). This variant has not been reported in the literature in individuals affected with CHD7-related conditions. ClinVar contains an entry for this variant (Variation ID: 547189). For these reasons, this variant has been classified as Pathogenic.

Center for Human Genetics, Inc
Classification: Likely pathogenic for CHARGE syndrome. Last evaluated: 2016-11-01. Review status: criteria provided, single submitter. Criteria: ACMG Guidelines, 2015. Collection method: clinical testing. Allele origin: germline. Affected: yes.

Literature cited by the submitters: PubMed 22461308 (cited by Labcorp Genetics (formerly Invitae), Labcorp); PubMed 25077900 (cited by Labcorp Genetics (formerly Invitae), Labcorp).

NM_017780.4(CHD7):c.862C>T (p.Gln288Ter)

Gene: CHD7 (chromodomain helicase DNA binding protein 7; plus strand). Cytogenetic location: 8q12.2.
Variant type: single nucleotide variant.
Coding change: c.862C>T on transcript NM_017780.4 (MANE Select); coding-DNA position 862, C replaced by T.
Protein change: p.Gln288Ter; replaces glutamine 288 with a stop codon.
Molecular consequence: nonsense.
Genome position (GRCh38, 1-based): chr8:60,742,294, C>T. VCF-style: chr8-60742294-C-T. GRCh37 (hg19) VCF-style: chr8-61654853-C-T.
Other names: c.862C>T, p.Gln288Ter (NM_001316690.1); short protein forms Q288*.
Identifiers: ClinVar variation 547189 (VCV000547189.3), dbSNP rs1554581399, ClinGen allele CA371299773.